The following is an entry in ClinVar:

ClinVar aggregate classification (germline): Benign. Review status: criteria provided, multiple submitters, no conflicts (2 of 4 stars). 2 submissions from 2 submitters: Benign (2). Last evaluated 2026-01-05.

Conditions:
Cone-rod dystrophy 9 (CORD9). Identifiers: Orphanet 1872, MedGen C1423873, MONDO:0013002, OMIM 612775.

Allele frequency attached by ClinVar (database versions not stated): gnomAD 0.00081 and 0.00104; gnomAD exomes 0.00236 and 0.00051; 1000 Genomes Project 30x 0.00515; 1000 Genomes Project 0.00539; TOPMed 0.00127; ExAC 0.00233.
gnomAD v4.1: 976 of 1,614,078 alleles (0.06%); highest among the groups gnomAD compares: East Asian, 1.7%; 9 homozygotes.

Submissions (2):

Labcorp Genetics (formerly Invitae), Labcorp
Classification: Benign. Last evaluated: 2026-01-05. Review status: criteria provided, single submitter. Criteria: Invitae Variant Classification Sherloc (09022015). Collection method: clinical testing. Allele origin: germline.

Illumina Laboratory Services, Illumina
Classification: Benign for Cone-rod dystrophy 9. Last evaluated: 2018-01-12. Review status: criteria provided, single submitter. Criteria: ICSL Variant Classification Criteria 13 December 2019. Collection method: clinical testing. Allele origin: germline.
Comment: This variant was observed in the ICSL laboratory as part of a predisposition screen in an ostensibly healthy population. It had not been previously curated by ICSL or reported in the Human Gene Mutation Database (HGMD: prior to June 1st, 2018), and was therefore a candidate for classification through an automated scoring system. Utilizing variant allele frequency, disease prevalence and penetrance estimates, and inheritance mode, an automated score was calculated to assess if this variant is too frequent to cause the disease. Based on the score and internal cut-off values, a variant classified as benign is not then subjected to further curation. The score for this variant resulted in a classification of benign for this disease.

NM_003816.3(ADAM9):c.1728G>A (p.Glu576=)

Gene: ADAM9 (ADAM metallopeptidase domain 9; plus strand). Cytogenetic location: 8p11.22.
Variant type: single nucleotide variant.
Coding change: c.1728G>A on transcript NM_003816.3 (MANE Select); coding-DNA position 1728, G replaced by A.
Protein change: p.Glu576=; no amino-acid change (glutamic acid 576 retained).
Molecular consequence: synonymous variant. On other transcripts: non-coding transcript variant (3).
Genome position (GRCh38, 1-based): chr8:39,077,258, G>A. VCF-style: chr8-39077258-G-A. GRCh37 (hg19) VCF-style: chr8-38934777-G-A.
Identifiers: ClinVar variation 362936 (VCV000362936.14), dbSNP rs139284078, ClinGen allele CA4721711.
Genomic context (GRCh38, chr8:39,077,258, plus strand): 5'-TTATGTTGCATTATTTCTCTCTCTTTATAGGAATGCTTTGTGTGGAAAGCTTCAGTGTGA[G>A]AATGTACAAGAGATACCTGTATTTGGAATTGTGCCTGCTATTATTCAAACGCCTAGTCGA-3'
Protein context (NP_003807.1, residues 566-586): GNALCGKLQC[Glu576=]NVQEIPVFGI